The following is an entry in ClinVar:

NM_000051.4(ATM):c.2859G>A (p.Glu953=)

Gene: ATM (ATM serine/threonine kinase; plus strand). Cytogenetic location: 11q22.3.
Variant type: single nucleotide variant.
Coding change: c.2859G>A on transcript NM_000051.4 (MANE Select); coding-DNA position 2859, G replaced by A.
Protein change: p.Glu953=; no amino-acid change (glutamic acid 953 retained).
Molecular consequence: synonymous variant.
Genome position (GRCh38, 1-based): chr11:108,271,084, G>A. VCF-style: chr11-108271084-G-A. GRCh37 (hg19) VCF-style: chr11-108141811-G-A.
Other names: c.2859G>A, p.Glu953= (NM_001351834.2).
Identifiers: ClinVar variation 421638 (VCV000421638.20), dbSNP rs569489729, ClinGen allele CA16619149.

ClinVar aggregate classification (germline): Benign/Likely benign. Review status: criteria provided, multiple submitters, no conflicts (2 of 4 stars). 6 submissions from 6 submitters: Benign (1); Likely benign (5). Last evaluated 2025-12-14.

Conditions:
Familial cancer of breast. Also called: hereditary breast carcinoma; Hereditary breast cancer; BREAST CANCER, FAMILIAL. Identifiers: Orphanet 227535, MedGen C0346153, MONDO:0016419, OMIM 114480. Disease mechanism: loss of function.
Hereditary cancer-predisposing syndrome. Also called: Hereditary neoplastic syndrome; Hereditary Cancer Syndrome; Neoplastic Syndromes, Hereditary; Tumor predisposition. Identifiers: Orphanet 140162, MedGen C0027672, MeSH D009386, MONDO:0015356.
Ataxia-telangiectasia syndrome (AT). Also called: Ataxia-telangiectasia, complementation group D; Cerebello-oculocutaneous telangiectasia; Immunodeficiency with ataxia telangiectasia; ATAXIA-TELANGIECTASIA, COMPLEMENTATION GROUP A; ATAXIA-TELANGIECTASIA, FRESNO VARIANT; LOUIS-BAR SYNDROME. Identifiers: Orphanet 100, MedGen C0004135, MONDO:0008840, OMIM 208900.

Allele frequency attached by ClinVar (database versions not stated): gnomAD exomes 0.00001.

Submissions (6):

Labcorp Genetics (formerly Invitae), Labcorp
Classification: Likely benign for Ataxia-telangiectasia syndrome. Last evaluated: 2025-12-14. Review status: criteria provided, single submitter. Criteria: Invitae Variant Classification Sherloc (09022015). Collection method: clinical testing. Allele origin: germline.

Women's Health and Genetics/Laboratory Corporation of America, LabCorp
Classification: Likely benign. Last evaluated: 2025-10-10. Review status: criteria provided, single submitter. Criteria: LabCorp Variant Classification Summary - May 2015. Collection method: clinical testing. Allele origin: germline.

Myriad Genetics, Inc.
Classification: Benign for Familial cancer of breast. Last evaluated: 2024-05-10. Review status: criteria provided, single submitter. Criteria: Myriad Autosomal Dominant, Autosomal Recessive and X-Linked Classification Criteria (2023). Collection method: clinical testing. Allele origin: unknown.
Comment: This variant is considered benign. This variant is a silent/synonymous amino acid change and it is not expected to impact splicing.

GeneDx
Classification: Likely benign. Last evaluated: 2018-11-16. Review status: criteria provided, single submitter. Criteria: GeneDx Variant Classification Process June 2021. Collection method: clinical testing. Allele origin: germline. Affected: yes.

Color Diagnostics, LLC DBA Color Health
Classification: Likely benign for Hereditary cancer-predisposing syndrome. Last evaluated: 2017-08-17. Review status: criteria provided, single submitter. Criteria: ACMG Guidelines, 2015. Collection method: clinical testing. Allele origin: germline.

Ambry Genetics
Classification: Likely benign for Hereditary cancer-predisposing syndrome. Last evaluated: 2016-12-28. Review status: criteria provided, single submitter. Criteria: Ambry Variant Classification Scheme 2023. Collection method: clinical testing. Allele origin: germline.